The following is an entry in ClinVar:

NM_138576.4(BCL11B):c.569C>T (p.Pro190Leu)

Gene: BCL11B (BCL11 transcription factor B; minus strand). Cytogenetic location: 14q32.2.
Variant type: single nucleotide variant.
Coding change: c.569C>T on transcript NM_138576.4 (MANE Select); coding-DNA position 569, C replaced by T.
Protein change: p.Pro190Leu; replaces proline 190 with leucine.
Molecular consequence: missense variant. On other transcripts: intron variant (2).
Genome position (GRCh38, 1-based): chr14:99,231,416, G>A on the plus strand (C>T on the coding strand, the complement: BCL11B is on the minus strand). VCF-style: chr14-99231416-G-A. GRCh37 (hg19) VCF-style: chr14-99697753-G-A.
Other names: c.566C>T, p.Pro189Leu (NM_001282237.2); c.424+26055C>T (NM_001282238.2); c.427+26055C>T (NM_022898.3); short protein forms P189L, P190L.
Identifiers: ClinVar variation 1486362 (VCV001486362.28), dbSNP rs765692050, ClinGen allele CA7339856.

ClinVar aggregate classification (germline): Conflicting classifications of pathogenicity. Review status: criteria provided, conflicting classifications (1 of 4 stars). 2 submissions from 2 submitters: Uncertain significance (1); Likely benign (1). Last evaluated 2025-09-14.

Allele frequency attached by ClinVar (database versions not stated): ExAC 0.00002.
gnomAD v4.1: 18 of 1,596,702 alleles (0.0011%); highest among the groups gnomAD compares: South Asian, 0.0023%; no homozygotes.

Submissions (2):

Labcorp Genetics (formerly Invitae), Labcorp
Classification: Uncertain significance. Last evaluated: 2025-09-14. Review status: criteria provided, single submitter. Criteria: Invitae Variant Classification Sherloc (09022015). Collection method: clinical testing. Allele origin: germline.
Comment: This sequence change replaces proline, which is neutral and non-polar, with leucine, which is neutral and non-polar, at codon 190 of the BCL11B protein (p.Pro190Leu). This variant is present in population databases (rs765692050, gnomAD 0.003%). This variant has not been reported in the literature in individuals affected with BCL11B-related conditions. ClinVar contains an entry for this variant (Variation ID: 1486362). Invitae Evidence Modeling of protein sequence and biophysical properties (such as structural, functional, and spatial information, amino acid conservation, physicochemical variation, residue mobility, and thermodynamic stability) indicates that this missense variant is not expected to disrupt BCL11B protein function with a negative predictive value of 95%. In summary, the available evidence is currently insufficient to determine the role of this variant in disease. Therefore, it has been classified as a Variant of Uncertain Significance.

CeGaT Center for Human Genetics Tuebingen
Classification: Likely benign. Last evaluated: 2023-12-01. Review status: criteria provided, single submitter. Criteria: CeGaT Center For Human Genetics Tuebingen Variant Classification Criteria Version 2. Collection method: clinical testing. Allele origin: germline. Affected: yes. Observed: 1 variant allele.
Comment: BCL11B: BP4